The following is an entry in ClinVar:

ClinVar aggregate classification (germline): Uncertain significance (1 of 4 stars; one submission).

gnomAD v4.1: 4 of 1,614,162 alleles (0.00025%); highest among the groups gnomAD compares: South Asian, 0.0044%; no homozygotes.

Submission:

Ambry Genetics
Classification: Uncertain significance. Last evaluated: 2026-03-30. Review status: criteria provided, single submitter. Criteria: Ambry Variant Classification Scheme 2023. Collection method: clinical testing. Allele origin: germline.
Comment: The p.D247Y variant (also known as c.739G>T), located in coding exon 1 of the CDK12 gene, results from a G to T substitution at nucleotide position 739. The aspartic acid at codon 247 is replaced by tyrosine, an amino acid with highly dissimilar properties. This amino acid position is conserved. In addition, the in silico prediction for this alteration is inconclusive. Based on the available evidence, the clinical significance of this variant remains unclear.

NM_016507.4(CDK12):c.739G>T (p.Asp247Tyr)

Genes: CDK12 (cyclin dependent kinase 12; plus strand), LOC126862553 (CDK7 strongly-dependent group 2 enhancer GRCh37_chr17:37618166-37619365; plus strand). Cytogenetic location: 17q12.
Variant type: single nucleotide variant.
Coding change: c.739G>T on transcript NM_016507.4 (MANE Select); coding-DNA position 739, G replaced by T.
Protein change: p.Asp247Tyr; replaces aspartic acid 247 with tyrosine.
Molecular consequence: missense variant.
Genome position (GRCh38, 1-based): chr17:39,462,810, G>T. VCF-style: chr17-39462810-G-T. GRCh37 (hg19) VCF-style: chr17-37619063-G-T.
Other names: c.739G>T, p.Asp247Tyr (NM_015083.4); short protein forms D247Y.
Identifiers: ClinVar variation 4868466 (VCV004868466.1).